The following is an entry in ClinVar:

NM_003906.5(MCM3AP):c.2228del (p.Leu743fs)

Gene: MCM3AP (minichromosome maintenance complex component 3 associated protein; minus strand). Cytogenetic location: 21q22.3.
Variant type: Deletion.
Coding change: c.2228del on transcript NM_003906.5 (MANE Select); coding-DNA position 2228, one base deleted (T; older notation c.2228delT).
Protein change: p.Leu743fs; shifts the reading frame from leucine 743.
Molecular consequence: frameshift variant.
Genome position (GRCh38, 1-based): chr21:46,272,798, A deleted on the plus strand (T on the coding strand, the reverse complement: MCM3AP is on the minus strand). VCF-style (leftmost placement, unchanged base first): chr21-46272797-CA-C. GRCh37 (hg19) VCF-style: chr21-47692711-CA-C.
Other names: short protein forms L743fs.
Identifiers: ClinVar variation 3619747 (VCV003619747.2).
Genomic context (GRCh38, chr21:46,272,797, plus strand): 5'-ACACATGAAGTGGGCACAGTGGATGTGAAACCGGGTGCACTTCTCAATCAGGGACACCGT[CA>C]GGGGGTCACAGAGGTGCTGCTGCGTGATATCCTGGCCACAGGCGAGGGGGAGGATCACAC-3'

ClinVar aggregate classification (germline): Pathogenic (1 of 4 stars; one submission).

Submission:

Labcorp Genetics (formerly Invitae), Labcorp
Classification: Pathogenic. Last evaluated: 2024-06-03. Review status: criteria provided, single submitter. Criteria: Invitae Variant Classification Sherloc (09022015). Collection method: clinical testing. Allele origin: germline.
Comment: This sequence change creates a premature translational stop signal (p.Leu743Argfs*5) in the MCM3AP gene. It is expected to result in an absent or disrupted protein product. Loss-of-function variants in MCM3AP are known to be pathogenic (PMID: 28633435). This variant is not present in population databases (gnomAD no frequency). This variant has not been reported in the literature in individuals affected with MCM3AP-related conditions. For these reasons, this variant has been classified as Pathogenic.

Literature cited by the submitters: PubMed 28633435.